The following is an entry in ClinVar:

ClinVar aggregate classification (germline): Uncertain significance (1 of 4 stars; one submission).

Allele frequency attached by ClinVar (database versions not stated): ExAC 0.00001; gnomAD 0.00001; TOPMed 0.00001; gnomAD exomes 0.00002; ESP Exome Variant Server 0.00008.
gnomAD v4.1: 29 of 1,614,036 alleles (0.0018%); highest among the groups gnomAD compares: Admixed American, 0.01%; 1 homozygote.

Submission:

Labcorp Genetics (formerly Invitae), Labcorp
Classification: Uncertain significance. Last evaluated: 2022-03-12. Review status: criteria provided, single submitter. Criteria: Invitae Variant Classification Sherloc (09022015). Collection method: clinical testing. Allele origin: germline.
Comment: This sequence change creates a premature translational stop signal (p.Gln549*) in the LRIT3 gene. While this is not anticipated to result in nonsense mediated decay, it is expected to disrupt the last 131 amino acid(s) of the LRIT3 protein. This variant is present in population databases (rs377143616, gnomAD 0.003%). This variant has not been reported in the literature in individuals affected with LRIT3-related conditions. Experimental studies and prediction algorithms are not available or were not evaluated, and the functional significance of this variant is currently unknown. In summary, the available evidence is currently insufficient to determine the role of this variant in disease. Therefore, it has been classified as a Variant of Uncertain Significance.

NM_198506.5(LRIT3):c.1645C>T (p.Gln549Ter)

Gene: LRIT3 (leucine rich repeat, Ig-like and transmembrane domains 3; plus strand). Cytogenetic location: 4q25.
Variant type: single nucleotide variant.
Coding change: c.1645C>T on transcript NM_198506.5 (MANE Select); coding-DNA position 1645, C replaced by T.
Protein change: p.Gln549Ter; replaces glutamine 549 with a stop codon.
Molecular consequence: nonsense.
Genome position (GRCh38, 1-based): chr4:109,870,394, C>T. VCF-style: chr4-109870394-C-T. GRCh37 (hg19) VCF-style: chr4-110791550-C-T.
Other names: short protein forms Q549*.
Identifiers: ClinVar variation 1921947 (VCV001921947.2), dbSNP rs377143616, ClinGen allele CA3043234.